The following is an entry in ClinVar:

ClinVar aggregate classification (germline): Uncertain significance. Review status: criteria provided, multiple submitters, no conflicts (2 of 4 stars). 2 submissions from 2 submitters: Uncertain significance (2). Last evaluated 2021-08-27.

Conditions:
LAMA2-related muscular dystrophy (LAMA2-RD). Also called: Laminin alpha 2-related dystrophy. Identifiers: MedGen C5679788, MONDO:0100228.

Submissions (2):

Labcorp Genetics (formerly Invitae), Labcorp
Classification: Uncertain significance for LAMA2-related muscular dystrophy. Last evaluated: 2021-08-27. Review status: criteria provided, single submitter. Criteria: Invitae Variant Classification Sherloc (09022015). Collection method: clinical testing. Allele origin: germline.
Comment: This sequence change replaces alanine with threonine at codon 1675 of the LAMA2 protein (p.Ala1675Thr). The alanine residue is moderately conserved and there is a small physicochemical difference between alanine and threonine. This variant is not present in population databases (ExAC no frequency). This variant has not been reported in the literature in individuals affected with LAMA2-related conditions. Algorithms developed to predict the effect of missense changes on protein structure and function are either unavailable or do not agree on the potential impact of this missense change (SIFT: "Tolerated"; PolyPhen-2: "Probably Damaging"; Align-GVGD: "Class C0"). In summary, the available evidence is currently insufficient to determine the role of this variant in disease. Therefore, it has been classified as a Variant of Uncertain Significance.

Revvity Omics, Revvity
Classification: Uncertain significance. Last evaluated: 2019-12-26. Review status: criteria provided, single submitter. Criteria: ACMG Guidelines, 2015. Collection method: clinical testing. Allele origin: germline.

NM_000426.4(LAMA2):c.5023G>A (p.Ala1675Thr)

Gene: LAMA2 (laminin subunit alpha 2; plus strand). Cytogenetic location: 6q22.33.
Variant type: single nucleotide variant.
Coding change: c.5023G>A on transcript NM_000426.4 (MANE Select); coding-DNA position 5023, G replaced by A.
Protein change: p.Ala1675Thr; replaces alanine 1675 with threonine.
Molecular consequence: missense variant.
Genome position (GRCh38, 1-based): chr6:129,383,185, G>A. VCF-style: chr6-129383185-G-A. GRCh37 (hg19) VCF-style: chr6-129704330-G-A.
Other names: c.5023G>A, p.Ala1675Thr (NM_001079823.2); short protein forms A1675T.
Identifiers: ClinVar variation 573239 (VCV000573239.8), dbSNP rs1420007591, ClinGen allele CA365628686.